The following is an entry in ClinVar:

ClinVar aggregate classification (germline): Pathogenic. Review status: criteria provided, single submitter (1 of 4 stars). 2 submissions from 2 submitters: Pathogenic (1). 1 of the submissions does not count toward it.

Conditions:
46,XY gonadal dysgenesis-motor and sensory neuropathy syndrome. Also called: 46,XY GONADAL DYSGENESIS WITH MINIFASCICULAR NEUROPATHY. Identifiers: Orphanet 168563, MedGen C5436061, MONDO:0011766, OMIM 607080.

Submissions (2):

Division of Paediatric Endocrinology and Diabetes, University of Luebeck
Classification: Pathogenic for 46,XY gonadal dysgenesis-motor and sensory neuropathy syndrome. Review status: criteria provided, single submitter. Criteria: Submitter's publication. Collection method: research. Allele origin: germline. Inheritance: Autosomal recessive inheritance. Affected: yes. Observed: 2 variant alleles, 2 homozygotes.
Comment: The R124Q variant was found in two 46,XY sisters with gonadal dysgenesis. Both patients suffer from polyneuropathy. High resolution ultrasound revealed structural change of peripheral nerve structure which fits well to a minifascicle formation of peripheral nerves.

OMIM
Classification: Pathogenic for 46,XY GONADAL DYSGENESIS WITH MINIFASCICULAR NEUROPATHY. Last evaluated: 2020-10-07. Review status: no assertion criteria provided. Collection method: literature only. Allele origin: germline. Not counted in ClinVar's aggregate classification.

Literature cited by the submitters: PubMed 25927242 (cited by OMIM).

NM_021044.4(DHH):c.371G>A (p.Arg124Gln)

Gene: DHH (desert hedgehog signaling molecule; minus strand). Cytogenetic location: 12q13.12.
Variant type: single nucleotide variant.
Coding change: c.371G>A on transcript NM_021044.4 (MANE Select); coding-DNA position 371, G replaced by A.
Protein change: p.Arg124Gln; replaces arginine 124 with glutamine.
Molecular consequence: missense variant.
Genome position (GRCh38, 1-based): chr12:49,091,322, C>T on the plus strand (G>A on the coding strand, the complement: DHH is on the minus strand). VCF-style: chr12-49091322-C-T. GRCh37 (hg19) VCF-style: chr12-49485105-C-T.
Other names: short protein forms R124Q.
Identifiers: ClinVar variation 560406 (VCV000560406.3), dbSNP rs1565573892, ClinGen allele CA384722946.